The following is an entry in ClinVar:

ClinVar aggregate classification (germline): Uncertain significance (1 of 4 stars; one submission).

Conditions:
Early-infantile DEE. Also called: Early infantile epileptic encephalopathy; Early infantile epileptic encephalopathy with suppression bursts; Ohtahara syndrome. Identifiers: Orphanet 1934, MedGen C0393706, MONDO:0800491.

Submission:

Labcorp Genetics (formerly Invitae), Labcorp
Classification: Uncertain significance for Early-infantile DEE. Last evaluated: 2019-07-03. Review status: criteria provided, single submitter. Criteria: Invitae Variant Classification Sherloc (09022015). Collection method: clinical testing. Allele origin: germline.
Comment: This variant is not present in population databases (ExAC no frequency) and has not been reported in the literature in individuals with a SCN1A-related disease. In summary, this variant is a novel missense change with uncertain impact on protein function. It has been classified as a Variant of Uncertain Significance. Algorithms developed to predict the effect of missense changes on protein structure and function do not agree on the potential impact of this missense change (SIFT: "Deleterious"; PolyPhen-2: "Benign"; Align-GVGD: "Class C0"). This variant identified in the SCN1A gene is located in the cytoplasmic interdomain linker DI/DII region of the resulting protein (PMID: 25348405, 18804930) but it is unclear how this variant impacts the function of this protein.. This sequence change replaces glutamic acid with glycine at codon 513 of the SCN1A protein (p.Glu513Gly). The glutamic acid residue is highly conserved and there is a moderate physicochemical difference between glutamic acid and glycine.

Literature cited by the submitters: PubMed 25348405; PubMed 18804930.

NM_001165963.4(SCN1A):c.1538A>G (p.Glu513Gly)

Gene: SCN1A (sodium voltage-gated channel alpha subunit 1; minus strand). Cytogenetic location: 2q24.3.
Variant type: single nucleotide variant.
Coding change: c.1538A>G on transcript NM_001165963.4 (MANE Select); coding-DNA position 1538, A replaced by G.
Protein change: p.Glu513Gly; replaces glutamic acid 513 with glycine.
Molecular consequence: missense variant. On other transcripts: 5 prime UTR variant (1), non-coding transcript variant (1).
Genome position (GRCh38, 1-based): chr2:166,045,167, T>C on the plus strand (A>G on the coding strand, the complement: SCN1A is on the minus strand). VCF-style: chr2-166045167-T-C. GRCh37 (hg19) VCF-style: chr2-166901677-T-C.
Other names: c.1538A>G, p.Glu513Gly (NM_001165964.3, NM_001202435.3, NM_001353948.2 and 7 more transcripts); c.1535A>G, p.Glu512Gly (NM_001353954.2, NM_001353955.2, NM_001353960.2); c.-888A>G (NM_001353961.2); short protein forms E513G, E512G.
Identifiers: ClinVar variation 461243 (VCV000461243.11), dbSNP rs1553545586, ClinGen allele CA349069448.
Genomic context (GRCh38, chr2:166,045,167, plus strand): 5'-CCTTTCCTCCTGATGCTGTCCTCAGATTCAGATTTTTGGAATTCATCCTCATCTTTCTCT[T>C]CCCCACCAGACTGCTCTTTCTGTTTTCTTTTCTTCCTCCGATTTCTTCTTTCCTTAGCAC-3'
Protein context (NP_001159435.1, residues 503-523): KRKQKEQSGG[Glu513Gly]EKDEDEFQKS